The following is an entry in ClinVar:

NM_000077.5(CDKN2A):c.335_337dup (p.Arg112_Leu113insArg)

Gene: CDKN2A (cyclin dependent kinase inhibitor 2A; minus strand). Cytogenetic location: 9p21.3.
Variant type: Duplication.
Coding change: c.335_337dup on transcript NM_000077.5; coding-DNA positions 335 to 337, 3 bases duplicated (GTC; older notation c.335_337dupGTC).
Protein change: p.Arg112_Leu113insArg.
Molecular consequence: inframe indel (on NM_000077.4). On other transcripts: inframe insertion (3), 3 prime UTR variant (1).
Genome position (GRCh38, 1-based): chr9:21,971,022-21,971,024, GAC duplicated on the plus strand (GTC on the coding strand, the reverse complement: CDKN2A is on the minus strand); duplicating any 3 consecutive bases within chr9:21,971,022-21,971,025 gives the same sequence; the c. name uses the placement nearest the transcript's 3' end. VCF-style (leftmost placement, unchanged base first): chr9-21971021-A-AGAC. GRCh37 (hg19) VCF-style: chr9-21971020-A-AGAC.
Other names: c.335_337dup, p.Arg112dup (NM_000077.4); c.335_337dupGTC (NM_000077.4); c.334_336dup, p.Arg112_Leu113insArg (NM_000077.6); c.335_337dup, p.Arg112_Leu113insArg (NM_001195132.2); c.182_184dup, p.Arg61_Leu62insArg (NM_001363763.2); c.378_380dup, p.Ser127_Ala128insSer (NM_058195.4); c.*258_*260dup (NM_058197.5).
Identifiers: ClinVar variation 183759 (VCV000183759.25), dbSNP rs768966657, ClinGen allele CA186348.
Genomic context (GRCh38, chr9:21,971,021, plus strand): 5'-GCCGCGCGCAGGTACCGTGCGACATCGCGATGGCCCAGCTCCTCAGCCAGGTCCACGGGC[A>AGAC]GACGGCCCCAGGCATCGCGCACGTCCAGCCGCGCCCCGGCCCGGTGCAGCACCACCAGCG-3'

ClinVar aggregate classification (germline): Pathogenic. Review status: criteria provided, multiple submitters, no conflicts (2 of 4 stars). 7 submissions from 7 submitters: Pathogenic (7). Last evaluated 2026-01-05.

Conditions:
Hereditary cancer-predisposing syndrome. Also called: Tumor predisposition; Neoplastic Syndromes, Hereditary; Hereditary neoplastic syndrome; Hereditary Cancer Syndrome. Identifiers: Orphanet 140162, MedGen C0027672, MeSH D009386, MONDO:0015356.
Familial melanoma. Also called: Hereditary melanoma; Hereditary cutaneous melanoma. Identifiers: Orphanet 618, MedGen C1512419, MONDO:0018961.
Melanoma and neural system tumor syndrome. Also called: MELANOMA-ASTROCYTOMA SYNDROME. Identifiers: Orphanet 252206, MedGen C1835042, MONDO:0007967, OMIM 155755.

Submissions (7):

Labcorp Genetics (formerly Invitae), Labcorp
Classification: Pathogenic for Familial melanoma. Last evaluated: 2026-01-05. Review status: criteria provided, single submitter. Criteria: Invitae Variant Classification Sherloc (09022015). Collection method: clinical testing. Allele origin: germline.
Comment: The CDKN2A gene encodes two different proteins, p16INK4a and p14ARF, which are translated from alternative transcripts with different open reading frames. Both transcripts have been analyzed. We report either the variant with the higher classification or default to the CDKN2A (p16INK4a) variant. This report therefore includes the details for the CDKN2A (p16INK4a) variant. This variant, c.335_337dup, results in the insertion of 1 amino acid(s) of the CDKN2A (p16INK4a) protein (p.Arg112dup), but otherwise preserves the integrity of the reading frame. This variant is present in population databases (rs768966657, gnomAD 0.003%). This variant has been observed in individuals with melanoma and/or pancreatic cancer (PMID: 8213823, 8653684, 11319798, 24935963, 30291219; internal data). It is commonly reported in individuals of Swedish ancestry (PMID: 865368, 11319798). This variant is also known as 113insR, 113insArg, p.R112_L113insR, 112-113insArg, c.337_338insGTC in the CDKN2A (p16INK4a) transcript, and c.378_380dup (p.Ser127dup) in the CDKN2A (p14ARF) transcript. ClinVar contains an entry for this variant (Variation ID: 183759). Algorithms developed to predict the effect of variants on gene product structure and function are not available or were not evaluated for this variant. Experimental studies have shown that this variant affects CDKN2A (p16INK4a) function (PMID: 10922411). For these reasons, this variant has been classified as Pathogenic. While the evidence indicates that this variant confers risk of developing CDKN2A (p16INK4a)-associated conditions, its association with risk for developing CDKN2A (p14ARF)-associated conditions is still unclear.

Color Diagnostics, LLC DBA Color Health
Classification: Pathogenic for Hereditary cancer-predisposing syndrome. Last evaluated: 2025-05-27. Review status: criteria provided, single submitter. Criteria: ACMG Guidelines, 2015. Collection method: clinical testing. Allele origin: germline.
Comment: The CDKN2A gene encodes two different proteins, p16INK4a and p14ARF. This variant is a 3 nucleotide duplication located in exon 2 of the CDKN2A (p16INK4A) gene, creating a single amino acid duplication in the CDKN2A protein. Functional studies have shown that this variant impairs the binding to CDK4 and CDK6 in vitro (PMID: 10498896, 10922411). This variant has been reported in individuals affected with melanoma and is a frequently observed mutation in melanoma-prone families from Northern Europe (PMID: 8653684, 9168184, 10922411, 11156381, 11319798, 12072543, 16905682, 15146471, 17047042, 20526219, 24935963, 25803691, 25813228, 8653684, 9168184, 11319798). It has been shown that this variant segregates with disease and is reported as a Swedish founder mutation in melanoma-prone families (PMID: 8653684, 9168184, 11319798). Carrier families are also prone to non-melanoma cancer including breast and pancreatic carcinomas (PMID: 10922411, 15146471, 17047042, 24935963). This variant has been identified in 3/238418 chromosomes in the general population by the Genome Aggregation Database (gnomAD). Based on the available evidence, this variant is classified as Pathogenic.

Ambry Genetics
Classification: Pathogenic for Hereditary cancer-predisposing syndrome. Last evaluated: 2024-02-26. Review status: criteria provided, single submitter. Criteria: Ambry Variant Classification Scheme 2023. Collection method: clinical testing. Allele origin: germline.
Comment: The c.335_337dupGTC pathogenic mutation (also known as p.R112dup) located in coding exon 2 of the CDKN2A gene, results from an in-frame duplication of GTC between nucleotide positions 335 and 337. This results in the duplication of an arginine residue at codon 112. This alteration has been described as one of the most common CDKN2A mutations in Europe and as a founder mutation in the Swedish population (Borg et al. Cancer Res. 1996; 56(11): 2497-500; Goldstein AM et al. Cancer Res., 2006 Oct;66:9818-28;Goldstein AM. Hum. Mutat., 2004 Jun;23:630; Goldstein AM, J. Med. Genet. 2007 Feb; 44(2):99-106; Hashemi J, et al. Genes Chromosomes Cancer 2001 Jun; 31(2):107-16; Nielsen K et al. Melanoma Res., 2010 Aug;20:266-72; Helgadottir H et al. J. Natl. Cancer Inst., 2016 Nov;108:). This alteration is located in the functionally-important ankyrin repeat region and has been shown to result in loss of binding capacity for cdk4 and cdk6 in vitro (Ruas M, et al. Oncogene 1999 Sep; 18(39):5423-34; Borg A, J. Natl. Cancer Inst. 2000 Aug; 92(15):1260-6). Based on a study of 28 Swedish families with the c.335_337dupGTC mutation, carriers are estimated to have increased relative risk compared to non-carrier controls for melanoma (RR = 64.8) and pancreatic cancer (RR = 43.8), as well as malignancies of the upper digestive (RR = 17.1) and respiratory tract (RR = 15.6) (Helgadottir H, et al. J. Med. Genet. 2014 Aug; 51(8):545-52). Overall risks for these cancer types were increased further for ever-smoker carriers compared to never-smoker carriers in this study (OR = 9.3). Of note, this alteration is also known as p.R112_L113insR, p.Arg105ins, 113insArg, and 337-338insGTC in published literature. Based on the available evidence, this alteration is classified as a pathogenic mutation.

Clinical Genetics Laboratory, Skane University Hospital Lund
Classification: Pathogenic. Last evaluated: 2023-10-05. Review status: criteria provided, single submitter. Criteria: ACMG Guidelines, 2015. Collection method: clinical testing. Allele origin: germline. Affected: yes.

GeneDx
Classification: Pathogenic. Last evaluated: 2022-07-21. Review status: criteria provided, single submitter. Criteria: GeneDx Variant Classification Process June 2021. Collection method: clinical testing. Allele origin: germline. Affected: yes.
Comment: In-frame insertion of 1 amino acid located in the critical ANK 4 repeat (UniProt); Identified in several malignant melanoma families and published as a Swedish founder pathogenic variant (Borg et al., 1996; Platz et al., 1997; Borg et al., 2000; Hashemi et al., 2000; Hashemi et al., 2001; Goldstein et al., 2006; Helgadottir et al., 2014; Helgadottir et al., 2020); Case control studies suggest this variant is associated with increased risk for melanoma, pancreatic cancer, and possibly other cancers (Helgadottir et al., 2014); Published functional studies demonstrate a damaging effect: inability to bind CDK4 and CDK6 (Ruas et al., 1999; Borg et al., 2000); Not observed at significant frequency in large population cohorts (gnomAD); Also known as 113insArg and c.337-338insGTC; This variant is associated with the following publications: (PMID: 10498896, 10922411, 9168184, 10338331, 16905682, 8653684, 24935963, 12072543, 17047042, 15146471, 19077144, 11319798, 11156381, 27287845, 29215650, 33076392, 33945383, 33766116, 30291219, 29922827)

Baylor Genetics
Classification: Pathogenic for Melanoma and neural system tumor syndrome. Last evaluated: 2022-07-20. Review status: criteria provided, single submitter. Criteria: ACMG Guidelines, 2015. Collection method: clinical testing. Allele origin: unknown.

Revvity Omics, Revvity
Classification: Pathogenic. Last evaluated: 2019-06-13. Review status: criteria provided, single submitter. Criteria: ACMG Guidelines, 2015. Collection method: clinical testing. Allele origin: germline.

Literature cited by the submitters: PubMed 8213823 (cited by Labcorp Genetics (formerly Invitae), Labcorp); PubMed 8653684 (cited by 3 submitters); PubMed 11319798 (cited by 3 submitters); PubMed 24935963 (cited by 3 submitters); PubMed 30291219 (cited by Labcorp Genetics (formerly Invitae), Labcorp); PubMed 865368 (cited by Labcorp Genetics (formerly Invitae), Labcorp); PubMed 10922411 (cited by 3 submitters); PubMed 9168184 (cited by Color Diagnostics, LLC DBA Color Health); PubMed 10498896 (cited by Color Diagnostics, LLC DBA Color Health and Ambry Genetics); PubMed 11156381 (cited by Color Diagnostics, LLC DBA Color Health and Ambry Genetics); PubMed 12072543 (cited by Color Diagnostics, LLC DBA Color Health and Ambry Genetics); PubMed 15146471 (cited by Color Diagnostics, LLC DBA Color Health and Ambry Genetics); PubMed 16905682 (cited by Color Diagnostics, LLC DBA Color Health and Ambry Genetics); PubMed 17047042 (cited by Color Diagnostics, LLC DBA Color Health and Ambry Genetics); PubMed 20526219 (cited by Color Diagnostics, LLC DBA Color Health and Ambry Genetics); PubMed 25803691 (cited by Color Diagnostics, LLC DBA Color Health and Ambry Genetics); PubMed 25813228 (cited by Color Diagnostics, LLC DBA Color Health and Ambry Genetics); PubMed 27287845 (cited by Ambry Genetics).